The following is an entry in ClinVar:

NM_006267.5(RANBP2):c.745A>G (p.Thr249Ala)

Gene: RANBP2 (RAN binding protein 2; plus strand). Cytogenetic location: 2q13.
Variant type: single nucleotide variant.
Coding change: c.745A>G on transcript NM_006267.5 (MANE Select); coding-DNA position 745, A replaced by G.
Protein change: p.Thr249Ala; replaces threonine 249 with alanine.
Molecular consequence: missense variant.
Genome position (GRCh38, 1-based): chr2:108,736,212, A>G. VCF-style: chr2-108736212-A-G. GRCh37 (hg19) VCF-style: chr2-109352668-A-G.
Other names: short protein forms T249A.
Identifiers: ClinVar variation 964001 (VCV000964001.8), dbSNP rs372262830, ClinGen allele CA1822115.

ClinVar aggregate classification (germline): Uncertain significance. Review status: criteria provided, multiple submitters, no conflicts (2 of 4 stars). 2 submissions from 2 submitters: Uncertain significance (2). Last evaluated 2025-04-13.

Conditions:
Familial acute necrotizing encephalopathy (IIAE3). Also called: ENCEPHALOPATHY, ACUTE, INFECTION-INDUCED, SUSCEPTIBILITY TO, 3; Susceptibility to Acute Necrotizing Encephalopathy 1. Identifiers: Orphanet 88619, MedGen C2675556, MONDO:0011953, OMIM 608033.

Allele frequency attached by ClinVar (database versions not stated): gnomAD 0.00001; ExAC 0.00002; TOPMed 0.00002; gnomAD exomes 0.00004; ESP Exome Variant Server 0.00008.
gnomAD v4.1: 58 of 1,611,840 alleles (0.0036%); highest among the groups gnomAD compares: South Asian, 0.0099%; no homozygotes.

Submissions (2):

Ambry Genetics
Classification: Uncertain significance. Last evaluated: 2025-04-13. Review status: criteria provided, single submitter. Criteria: Ambry Variant Classification Scheme 2023. Collection method: clinical testing. Allele origin: germline.

Labcorp Genetics (formerly Invitae), Labcorp
Classification: Uncertain significance for Familial acute necrotizing encephalopathy. Last evaluated: 2019-09-26. Review status: criteria provided, single submitter. Criteria: Invitae Variant Classification Sherloc (09022015). Collection method: clinical testing. Allele origin: germline.
Comment: This variant is present in population databases (rs372262830, ExAC 0.01%). In summary, the available evidence is currently insufficient to determine the role of this variant in disease. Therefore, it has been classified as a Variant of Uncertain Significance. Algorithms developed to predict the effect of missense changes on protein structure and function output the following: SIFT: "Deleterious"; PolyPhen-2: "Benign"; Align-GVGD: "Class C55". The alanine amino acid residue is found in multiple mammalian species, suggesting that this missense change does not adversely affect protein function. These predictions have not been confirmed by published functional studies and their clinical significance is uncertain. This variant has not been reported in the literature in individuals with RANBP2-related conditions. This sequence change replaces threonine with alanine at codon 249 of the RANBP2 protein (p.Thr249Ala). The threonine residue is highly conserved and there is a small physicochemical difference between threonine and alanine.